The following is an entry in ClinVar:

ClinVar aggregate classification (germline): Uncertain significance. Review status: criteria provided, multiple submitters, no conflicts (2 of 4 stars). 4 submissions from 4 submitters: Uncertain significance (3). 1 of the submissions does not count toward it. Last evaluated 2025-12-17.

Conditions:
Autosomal recessive hypohidrotic ectodermal dysplasia syndrome. Also called: Autosomal recessive hypohidrotic ectodermal dysplasia. Identifiers: Orphanet 248, MedGen C0406702, MONDO:0016619.
Ectodermal dysplasia 10A, hypohidrotic/hair/nail type, autosomal dominant (ECTD10A). Also called: Ectodermal Dysplasia 3, Anhidrotic. Identifiers: Orphanet 1810, Orphanet 238468, MedGen C3888065, MONDO:0007509, OMIM 129490.
Inborn genetic diseases. Identifiers: MedGen C0950123, MeSH D030342.

Allele frequency attached by ClinVar (database versions not stated): TOPMed 0.00012; ESP Exome Variant Server 0.00023.
gnomAD v4.1: 340 of 1,613,978 alleles (0.021%); highest among the groups gnomAD compares: Middle Eastern, 0.033%; no homozygotes.

Submissions (4):

Ambry Genetics
Classification: Uncertain significance for Inborn genetic diseases. Last evaluated: 2025-12-17. Review status: criteria provided, single submitter. Criteria: Ambry Variant Classification Scheme 2023. Collection method: clinical testing. Allele origin: germline.

Blueprint Genetics
Classification: Uncertain significance. Last evaluated: 2024-10-17. Review status: criteria provided, single submitter. Criteria: ACMG Guidelines, 2015. Collection method: clinical testing. Allele origin: germline.

Labcorp Genetics (formerly Invitae), Labcorp
Classification: Uncertain significance for Ectodermal dysplasia 10A, hypohidrotic/hair/nail type, autosomal dominant; Autosomal recessive hypohidrotic ectodermal dysplasia syndrome. Last evaluated: 2022-09-23. Review status: criteria provided, single submitter. Criteria: Invitae Variant Classification Sherloc (09022015). Collection method: clinical testing. Allele origin: germline.
Comment: This sequence change replaces glycine, which is neutral and non-polar, with serine, which is neutral and polar, at codon 32 of the EDAR protein (p.Gly32Ser). This variant is present in population databases (rs201793571, gnomAD 0.02%). This variant has not been reported in the literature in individuals affected with EDAR-related conditions. ClinVar contains an entry for this variant (Variation ID: 1049661). Advanced modeling of protein sequence and biophysical properties (such as structural, functional, and spatial information, amino acid conservation, physicochemical variation, residue mobility, and thermodynamic stability) has been performed at Invitae for this missense variant, however the output from this modeling did not meet the statistical confidence thresholds required to predict the impact of this variant on EDAR protein function. In summary, the available evidence is currently insufficient to determine the role of this variant in disease. Therefore, it has been classified as a Variant of Uncertain Significance.

Department of Pathology and Laboratory Medicine, Sinai Health System
Classification: Uncertain significance. Review status: no assertion criteria provided. Collection method: clinical testing. Allele origin: unknown. Affected: yes. Study: The Canadian Open Genetics Repository (COGR). Not counted in ClinVar's aggregate classification.
Comment: The EDAR p.G32S variant was not identified in the literature nor was it identified in ClinVar. The variant was identified in dbSNP (ID: rs201793571) and in control databases in 34 of 282734 chromosomes at a frequency of 0.0001203 (Genome Aggregation Database March 6, 2019, v2.1.1). The p.G32 residue is conserved in mammals and computational analyses (MUT Assesor, SIFT, MutationTaster, Revel, FATHMM, MetaLR, DANN) suggest that the variant may impact the protein; however, this information is not predictive enough to assume pathogenicity. The variant occurs outside of the splicing consensus sequence and in silico or computational prediction software programs (Splice AI exome) do not predict a difference in splicing. In summary, based on the above information the clinical significance of this variant cannot be determined with certainty at this time. This variant is classified as a variant of uncertain significance.

NM_022336.4(EDAR):c.94G>A (p.Gly32Ser)

Genes: EDAR (ectodysplasin A receptor; minus strand), RANBP2 (RAN binding protein 2; plus strand). Cytogenetic location: 2q13.
Variant type: single nucleotide variant.
Coding change: c.94G>A on transcript NM_022336.4 (MANE Select); coding-DNA position 94, G replaced by A.
Protein change: p.Gly32Ser; replaces glycine 32 with serine.
Molecular consequence: missense variant.
Genome position (GRCh38, 1-based): chr2:108,930,200, C>T on the plus strand (G>A on the coding strand, the complement: EDAR is on the minus strand). VCF-style: chr2-108930200-C-T. GRCh37 (hg19) VCF-style: chr2-109546656-C-T.
Other names: c.94G>A (NM_022336.3); short protein forms G32S.
Identifiers: ClinVar variation 1049661 (VCV001049661.9), dbSNP rs201793571, ClinGen allele CA1825212.